The following is an entry in ClinVar:

ClinVar aggregate classification (germline): Uncertain significance. Review status: criteria provided, multiple submitters, no conflicts (2 of 4 stars). 3 submissions from 3 submitters: Uncertain significance (3). Last evaluated 2025-07-28.

Conditions:
Hereditary cancer-predisposing syndrome. Also called: Neoplastic Syndromes, Hereditary; Tumor predisposition; Hereditary neoplastic syndrome; Hereditary Cancer Syndrome. Identifiers: Orphanet 140162, MedGen C0027672, MeSH D009386, MONDO:0015356.
Familial cancer of breast. Also called: BREAST CANCER, FAMILIAL; hereditary breast carcinoma; Hereditary breast cancer. Identifiers: Orphanet 227535, MedGen C0346153, MONDO:0016419, OMIM 114480. Disease mechanism: loss of function.
Fanconi anemia complementation group J. Also called: BRIP1-Related Fanconi Anemia. Identifiers: Orphanet 84, MedGen C1836860, MONDO:0012187, OMIM 609054.

Allele frequency attached by ClinVar (database versions not stated): gnomAD 0.00001; gnomAD exomes 0.00001.
gnomAD v4.1: 13 of 1,613,428 alleles (0.00081%); highest among the groups gnomAD compares: African/African-American, 0.0027%; no homozygotes.

Submissions (3):

Ambry Genetics
Classification: Uncertain significance for Hereditary cancer-predisposing syndrome. Last evaluated: 2025-07-28. Review status: criteria provided, single submitter. Criteria: Ambry Variant Classification Scheme 2023. Collection method: clinical testing. Allele origin: germline.
Comment: The p.V972G variant (also known as c.2915T>G), located in coding exon 19 of the BRIP1 gene, results from a T to G substitution at nucleotide position 2915. The valine at codon 972 is replaced by glycine, an amino acid with dissimilar properties. This amino acid position is not well conserved in available vertebrate species. In addition, this alteration is predicted to be tolerated by in silico analysis. Since supporting evidence is limited at this time, the clinical significance of this alteration remains unclear.

Labcorp Genetics (formerly Invitae), Labcorp
Classification: Uncertain significance for Familial cancer of breast; Fanconi anemia complementation group J. Last evaluated: 2024-01-04. Review status: criteria provided, single submitter. Criteria: Invitae Variant Classification Sherloc (09022015). Collection method: clinical testing. Allele origin: germline.
Comment: This sequence change replaces valine, which is neutral and non-polar, with glycine, which is neutral and non-polar, at codon 972 of the BRIP1 protein (p.Val972Gly). This variant is not present in population databases (gnomAD no frequency). This variant has not been reported in the literature in individuals affected with BRIP1-related conditions. ClinVar contains an entry for this variant (Variation ID: 1797624). Algorithms developed to predict the effect of missense changes on protein structure and function output the following: SIFT: "Not Available"; PolyPhen-2: "Benign"; Align-GVGD: "Not Available". The glycine amino acid residue is found in multiple mammalian species, which suggests that this missense change does not adversely affect protein function. In summary, the available evidence is currently insufficient to determine the role of this variant in disease. Therefore, it has been classified as a Variant of Uncertain Significance.

Color Diagnostics, LLC DBA Color Health
Classification: Uncertain significance for Hereditary cancer-predisposing syndrome. Last evaluated: 2023-12-11. Review status: criteria provided, single submitter. Criteria: ACMG Guidelines, 2015. Collection method: clinical testing. Allele origin: germline.
Comment: This missense variant replaces valine with glycine at codon 972 of the BRIP1 protein. Computational prediction suggests that this variant may not impact protein structure and function. To our knowledge, functional studies have not been reported for this variant. This variant has been reported in an individual affected with breast cancer (PMID: 26921362). This variant has not been identified in the general population by the Genome Aggregation Database (gnomAD). The available evidence is insufficient to determine the role of this variant in disease conclusively. Therefore, this variant is classified as a Variant of Uncertain Significance.

Literature cited by the submitters: PubMed 26921362 (cited by Color Diagnostics, LLC DBA Color Health).

NM_032043.3(BRIP1):c.2915T>G (p.Val972Gly)

Gene: BRIP1 (BRCA1 interacting DNA helicase 1; minus strand). Cytogenetic location: 17q23.2.
Variant type: single nucleotide variant.
Coding change: c.2915T>G on transcript NM_032043.3 (MANE Select); coding-DNA position 2915, T replaced by G.
Protein change: p.Val972Gly; replaces valine 972 with glycine.
Molecular consequence: missense variant.
Genome position (GRCh38, 1-based): chr17:61,684,131, A>C on the plus strand (T>G on the coding strand, the complement: BRIP1 is on the minus strand). VCF-style: chr17-61684131-A-C. GRCh37 (hg19) VCF-style: chr17-59761492-A-C.
Other names: short protein forms V972G.
Identifiers: ClinVar variation 1797624 (VCV001797624.11), dbSNP rs2061326725, ClinGen allele CA400480751.